The following is an entry in ClinVar:

NM_001089.3(ABCA3):c.2377G>C (p.Glu793Gln)

Gene: ABCA3 (ATP binding cassette subfamily A member 3; minus strand). Cytogenetic location: 16p13.3.
Variant type: single nucleotide variant.
Coding change: c.2377G>C on transcript NM_001089.3 (MANE Select); coding-DNA position 2377, G replaced by C.
Protein change: p.Glu793Gln; replaces glutamic acid 793 with glutamine.
Molecular consequence: missense variant.
Genome position (GRCh38, 1-based): chr16:2,295,627, C>G on the plus strand (G>C on the coding strand, the complement: ABCA3 is on the minus strand). VCF-style: chr16-2295627-C-G. GRCh37 (hg19) VCF-style: chr16-2345628-C-G.
Other names: short protein forms E793Q.
Identifiers: ClinVar variation 4693005 (VCV004693005.1).

ClinVar aggregate classification (germline): Uncertain significance (1 of 4 stars; one submission).

gnomAD v4.1: 5 of 1,613,838 alleles (0.00031%); highest among the groups gnomAD compares: Admixed American, 0.005%; no homozygotes.

Submission:

Labcorp Genetics (formerly Invitae), Labcorp
Classification: Uncertain significance. Last evaluated: 2025-07-22. Review status: criteria provided, single submitter. Criteria: Invitae Variant Classification Sherloc (09022015). Collection method: clinical testing. Allele origin: germline.
Comment: This sequence change replaces glutamic acid, which is acidic and polar, with glutamine, which is neutral and polar, at codon 793 of the ABCA3 protein (p.Glu793Gln). This variant is present in population databases (rs760598605, gnomAD 0.003%). This variant has not been reported in the literature in individuals affected with ABCA3-related conditions. Invitae Evidence Modeling of protein sequence and biophysical properties (such as structural, functional, and spatial information, amino acid conservation, physicochemical variation, residue mobility, and thermodynamic stability) has been performed for this missense variant. However, the output from this modeling did not meet the statistical confidence thresholds required to predict the impact of this variant on ABCA3 protein function. In summary, the available evidence is currently insufficient to determine the role of this variant in disease. Therefore, it has been classified as a Variant of Uncertain Significance.